The following is an entry in ClinVar:

ClinVar aggregate classification (germline): Pathogenic. Review status: criteria provided, multiple submitters, no conflicts (2 of 4 stars). 2 submissions from 2 submitters: Pathogenic (2). Last evaluated 2025-01-30.

Conditions:
Bainbridge-Ropers syndrome. Also called: Severe feeding difficulties-failure to thrive-microcephaly due to ASXL3 deficiency syndrome. Identifiers: Orphanet 352577, MedGen C4750837, MONDO:0014205, OMIM 615485.

Submissions (2):

Medgenome Labs Ltd
Classification: Pathogenic for Bainbridge-Ropers syndrome. Last evaluated: 2025-01-30. Review status: criteria provided, single submitter. Criteria: ACMG Guidelines, 2015. Collection method: clinical testing. Allele origin: germline. Affected: yes.

GeneDx
Classification: Pathogenic. Last evaluated: 2021-03-26. Review status: criteria provided, single submitter. Criteria: GeneDx Variant Classification Process June 2021. Collection method: clinical testing. Allele origin: germline. Affected: yes.
Comment: Frameshift variant predicted to result in protein truncation, as the last 874 amino acids are lost and replaced with 6 incorrect amino acids, and other loss-of-function variants have been reported downstream in the Human Gene Mutation Database (Stenson et al., 2014); Not observed in large population cohorts (Lek et al., 2016); This variant is associated with the following publications: (PMID: 28600779)

NM_030632.3(ASXL3):c.4120_4123dup (p.Ala1375fs)

Gene: ASXL3 (ASXL transcriptional regulator 3; plus strand). Cytogenetic location: 18q12.1.
Variant type: Duplication.
Coding change: c.4120_4123dup on transcript NM_030632.3 (MANE Select); coding-DNA positions 4120 to 4123, 4 bases duplicated (ATAG; older notation c.4120_4123dupATAG).
Protein change: p.Ala1375fs; shifts the reading frame from alanine 1375.
Molecular consequence: frameshift variant.
Genome position (GRCh38, 1-based): chr18:33,743,968-33,743,971, ATAG duplicated; duplicating any 4 consecutive bases within chr18:33,743,966-33,743,971 gives the same sequence; the c. name uses the placement nearest the transcript's 3' end. VCF-style (leftmost placement, unchanged base first): chr18-33743965-A-AAGAT. GRCh37 (hg19) VCF-style: chr18-31323929-A-AAGAT.
Other names: short protein forms A1375fs.
Identifiers: ClinVar variation 1223193 (VCV001223193.4), dbSNP rs2145426865, ClinGen allele CA2499225137.
Genomic context (GRCh38, chr18:33,743,965, plus strand): 5'-CTCTCCACTAGCTCTGTCTTGATTCCCCCAATGGGAATTAACAACAGATTTCCTTCTGAG[A>AAGAT]AGATAGCCATACCTGGGAGTGAAGAACAGGCCACTGTATCCATGGGTACCACTGTGAGAG-3'